The following is an entry in ClinVar:

ClinVar aggregate classification (germline): Likely pathogenic (1 of 4 stars; one submission).

Submission:

Labcorp Genetics (formerly Invitae), Labcorp
Classification: Likely pathogenic. Last evaluated: 2023-08-30. Review status: criteria provided, single submitter. Criteria: Invitae Variant Classification Sherloc (09022015). Collection method: clinical testing. Allele origin: germline.
Comment: Variants that disrupt the consensus splice site are a relatively common cause of aberrant splicing (PMID: 17576681, 9536098). Studies have shown that this missense change results in skipping of exon 26 and introduces a premature termination codon (PMID: 32307445). The resulting mRNA is expected to undergo nonsense-mediated decay. In summary, the currently available evidence indicates that the variant is pathogenic, but additional data are needed to prove that conclusively. Therefore, this variant has been classified as Likely Pathogenic. An algorithm developed to predict the effect of missense changes on protein structure and function (PolyPhen-2) suggests that this variant is likely to be tolerated. This missense change has been observed in individual(s) with Stargardt disease (PMID: 32307445). This variant is present in population databases (no rsID available, gnomAD 0.003%). This sequence change replaces glycine, which is neutral and non-polar, with serine, which is neutral and polar, at codon 1288 of the ABCA4 protein (p.Gly1288Ser). RNA analysis indicates that this missense change induces altered splicing and may result in an absent or disrupted protein product.

Literature cited by the submitters: PubMed 17576681; PubMed 9536098; PubMed 32307445.

NM_000350.3(ABCA4):c.3862G>A (p.Gly1288Ser)

Genes: ABCA4 (ATP binding cassette subfamily A member 4; minus strand), LOC126805794 (BRD4-independent group 4 enhancer GRCh37_chr1:94502188-94503387; plus strand). Cytogenetic location: 1p22.1.
Variant type: single nucleotide variant.
Coding change: c.3862G>A on transcript NM_000350.3 (MANE Select); coding-DNA position 3862, G replaced by A.
Protein change: p.Gly1288Ser; replaces glycine 1288 with serine.
Molecular consequence: missense variant.
Genome position (GRCh38, 1-based): chr1:94,036,740, C>T on the plus strand (G>A on the coding strand, the complement: ABCA4 is on the minus strand). VCF-style: chr1-94036740-C-T. GRCh37 (hg19) VCF-style: chr1-94502296-C-T.
Other names: c.3640G>A, p.Gly1214Ser (NM_001425324.1); short protein forms G1214S, G1288S.
Identifiers: ClinVar variation 2779967 (VCV002779967.3), dbSNP rs749060207, ClinGen allele CA341288204.